The following is an entry in ClinVar:

ClinVar aggregate classification (germline): Uncertain significance (1 of 4 stars; one submission).

Conditions:
Growth hormone insensitivity with immune dysregulation 1, autosomal recessive. Also called: GROWTH HORMONE INSENSITIVITY SYNDROME WITH IMMUNE DYSREGULATION 1, AUTOSOMAL RECESSIVE; Laron syndrome with immunodeficiency; GROWTH HORMONE INSENSITIVITY DUE TO POSTRECEPTOR DEFECT; LARON SYNDROME DUE TO POSTRECEPTOR DEFECT. Identifiers: Orphanet 220465, MedGen C5435698, MONDO:0100211, OMIM 245590.

Allele frequency attached by ClinVar (database versions not stated): gnomAD 0.00003; TOPMed 0.00014.
gnomAD v4.1: 4 of 152,214 alleles (0.0026%); highest among the groups gnomAD compares: Admixed American, 0.026%; no homozygotes.

Submission:

New York Genome Center
Classification: Uncertain significance for Growth hormone insensitivity with immune dysregulation 1, autosomal recessive. Last evaluated: 2020-06-19. Review status: criteria provided, single submitter. Criteria: NYGC Assertion Criteria 2020. Collection method: clinical testing. Allele origin: inherited. Observed: 1 compound heterozygote. Study: CSER-NYCKidSeq.
Comment: The inherited deep intronic variant, c.-11+7921A>G located in intron 1 (of 18) of the STAT5B gene has not been reported in affected individuals in the literature. In the gnomAD(v3) database the variant has 4 out of 143,308 heterozygous alleles (no homozygotes) indicating that the deep intronic variant is extremely rare in the general population. Functional studies are required to evaluate potential pathogenicity of this variant. Based on the available evidence, the inherited deep intronic c.-11+7921A>G variant identified in the STAT5B gene is assessed as a variant of uncertain significance.

NM_012448.4(STAT5B):c.-11+7921A>G

Gene: STAT5B (signal transducer and activator of transcription 5B; minus strand). Cytogenetic location: 17q21.2.
Variant type: single nucleotide variant.
Coding change: c.-11+7921A>G on transcript NM_012448.4 (MANE Select); 7921 bases into the intron after 11 bases upstream of the start codon, A replaced by G.
Molecular consequence: intron variant.
Genome position (GRCh38, 1-based): chr17:42,268,327, T>C on the plus strand (A>G on the coding strand, the complement: STAT5B is on the minus strand). VCF-style: chr17-42268327-T-C. GRCh37 (hg19) VCF-style: chr17-40420345-T-C.
Identifiers: ClinVar variation 1184347 (VCV001184347.1), dbSNP rs993237482, ClinGen allele CA290735635.
Genomic context (GRCh38, chr17:42,268,327, plus strand): 5'-TAGATACACAAATACTTACCCTTGTGTTACAATTGTCTACAGTACTCAATACAGTATACA[T>C]GTTCCACAGGTTTGTAGTCTAGGAGCAATAGGCTTTATCATACAGCCTAGGTGTGCAGTA-3'